The following is an entry in ClinVar:

ClinVar aggregate classification (germline): Likely benign (0 of 4 stars; one submission).

Conditions:
TSHZ1-related disorder. Also called: TSHZ1-related condition.

Allele frequency attached by ClinVar (database versions not stated): 1000 Genomes Project 30x 0.00016; 1000 Genomes Project 0.00020.

Submission:

PreventionGenetics, part of Exact Sciences
Classification: Likely benign for TSHZ1-related condition. Last evaluated: 2019-08-16. Review status: no assertion criteria provided. Collection method: clinical testing. Allele origin: germline.
Comment: This variant is classified as likely benign based on ACMG/AMP sequence variant interpretation guidelines (Richards et al. 2015 PMID: 25741868, with internal and published modifications).

NM_001308210.2(TSHZ1):c.621G>A (p.Thr207=)

Gene: TSHZ1 (teashirt zinc finger homeobox 1; plus strand). Cytogenetic location: 18q22.3.
Variant type: single nucleotide variant.
Coding change: c.621G>A on transcript NM_001308210.2 (MANE Select); coding-DNA position 621, G replaced by A.
Protein change: p.Thr207=; no amino-acid change (threonine 207 retained).
Molecular consequence: synonymous variant.
Genome position (GRCh38, 1-based): chr18:75,286,028, G>A. VCF-style: chr18-75286028-G-A. GRCh37 (hg19) VCF-style: chr18-72997983-G-A.
Other names: c.486G>A, p.Thr162= (NM_005786.6).
Identifiers: ClinVar variation 3053365 (VCV003053365.2), dbSNP rs200468182, ClinGen allele CA9001863.